The following is an entry in ClinVar:

ClinVar aggregate classification (germline): Uncertain significance (1 of 4 stars; one submission).

Conditions:
Gastrointestinal stromal tumor. Also called: Gastrointestinal stromal tumor, somatic; Gastrointestinal stroma tumor. Identifiers: Orphanet 44890, MedGen C0238198, MeSH D046152, MONDO:0011719, OMIM 606764, HP:0100723.

Submission:

Labcorp Genetics (formerly Invitae), Labcorp
Classification: Uncertain significance for Gastrointestinal stromal tumor. Last evaluated: 2023-01-27. Review status: criteria provided, single submitter. Criteria: Invitae Variant Classification Sherloc (09022015). Collection method: clinical testing. Allele origin: unknown.
Comment: This variant results in a copy number gain of the genomic region encompassing exon(s) 4-23 of the PDGFRA gene. This region includes the termination codon of the gene. This copy number gain extends beyond the assayed region for this gene and therefore may encompass additional genes. As the precise location of this event is unknown, it may be in tandem or it may be located elsewhere in the genome. This variant has not been reported in the literature in individuals affected with PDGFRA-related conditions. Experimental studies and prediction algorithms are not available or were not evaluated, and the functional significance of this variant is currently unknown. In summary, the available evidence is currently insufficient to determine the role of this variant in disease. Therefore, it has been classified as a Variant of Uncertain Significance.

NC_000004.11:g.(?_55129824)_(55161473_?)dup

Gene: PDGFRA (platelet derived growth factor receptor alpha; plus strand). Cytogenetic location: 4q12.
Variant type: Duplication.
Identifiers: ClinVar variation 3246597 (VCV003246597.1).